The following is an entry in ClinVar:

NM_001267550.2(TTN):c.40601C>G (p.Pro13534Arg)

Gene: TTN (titin; minus strand). Cytogenetic location: 2q31.2.
Variant type: single nucleotide variant.
Coding change: c.40601C>G on transcript NM_001267550.2 (MANE Select); coding-DNA position 40601, C replaced by G.
Protein change: p.Pro13534Arg; replaces proline 13534 with arginine.
Molecular consequence: missense variant.
Genome position (GRCh38, 1-based): chr2:178,641,273, G>C on the plus strand (C>G on the coding strand, the complement: TTN is on the minus strand). VCF-style: chr2-178641273-G-C. GRCh37 (hg19) VCF-style: chr2-179506000-G-C.
Other names: c.35678C>G, p.Pro11893Arg (NM_001256850.1); c.13406C>G, p.Pro4469Arg (NM_003319.4); c.32897C>G, p.Pro10966Arg (NM_133378.4); c.13781C>G, p.Pro4594Arg (NM_133432.3); c.13982C>G, p.Pro4661Arg (NM_133437.4); short protein forms P10966R, P11893R, P13534R, P4469R, P4594R, P4661R.
Identifiers: ClinVar variation 4085603 (VCV004085603.8).
Genomic context (GRCh38, chr2:178,641,273, plus strand): 5'-TCTTACAAATTGTCACTGAGATTCCTACCTGCAGGTTTTTTAACTTTTTCTAGTTTTTTA[G>C]GTTCTACTTTAGGTTCTTCTTCTTCAGGTCTTTTTCTTAGAACTTTAAAGACAAAAAGGT-3'
Protein context (NP_001254479.2, residues 13524-13544): RPEEEEPKVE[Pro13534Arg]KKLEKVKKPA

ClinVar aggregate classification (germline): Uncertain significance (1 of 4 stars; one submission).

gnomAD v4.1: 2 of 1,509,338 alleles (0.00013%); highest among the groups gnomAD compares: African/African-American, 0.0029%; no homozygotes.

Submission:

CeGaT Center for Human Genetics Tuebingen
Classification: Uncertain significance. Last evaluated: 2025-08-01. Review status: criteria provided, single submitter. Criteria: CeGaT Center For Human Genetics Tuebingen Variant Classification Criteria Version 2. Collection method: clinical testing. Allele origin: germline. Affected: yes. Observed: 1 variant allele.
Comment: TTN: PM2